The following is an entry in ClinVar:

NM_018062.4(FANCL):c.694A>G (p.Asn232Asp)

Gene: FANCL (FA complementation group L; minus strand). Cytogenetic location: 2p16.1.
Variant type: single nucleotide variant.
Coding change: c.694A>G on transcript NM_018062.4 (MANE Select); coding-DNA position 694, A replaced by G.
Protein change: p.Asn232Asp; replaces asparagine 232 with aspartic acid.
Molecular consequence: missense variant. On other transcripts: non-coding transcript variant (2).
Genome position (GRCh38, 1-based): chr2:58,163,515, T>C on the plus strand (A>G on the coding strand, the complement: FANCL is on the minus strand). VCF-style: chr2-58163515-T-C. GRCh37 (hg19) VCF-style: chr2-58390650-T-C.
Other names: c.709A>G, p.Asn237Asp (NM_001114636.2); c.739A>G, p.Asn247Asp (NM_001374615.1); c.754A>G, p.Asn252Asp (NM_001410792.1); short protein forms N232D, N237D, N252D, N247D.
Identifiers: ClinVar variation 3730367 (VCV003730367.2).
Genomic context (GRCh38, chr2:58,163,515, plus strand): 5'-AGCACTCAGGAAGCATAGTAGGATGCCTGGGGTCTACCTCTATATTTATGGAAACATTAT[T>C]ACCTAGAATGAAACAAGATTAAATCTTTTAGAAGTAGAACAGCTCATCAAACAACCCAAT-3'
Protein context (NP_060532.2, residues 222-242): SATARRIALG[Asn232Asp]NVSINIEVDP

ClinVar aggregate classification (germline): Uncertain significance (1 of 4 stars; one submission).

Conditions:
Fanconi anemia (FA). Also called: Fanconi's anemia. Identifiers: Orphanet 84, MedGen C0015625, MeSH D005199, MONDO:0019391.

Submission:

Labcorp Genetics (formerly Invitae), Labcorp
Classification: Uncertain significance for Fanconi anemia. Last evaluated: 2024-06-21. Review status: criteria provided, single submitter. Criteria: Invitae Variant Classification Sherloc (09022015). Collection method: clinical testing. Allele origin: germline.
Comment: This sequence change replaces asparagine, which is neutral and polar, with aspartic acid, which is acidic and polar, at codon 232 of the FANCL protein (p.Asn232Asp). This variant is not present in population databases (gnomAD no frequency). This variant has not been reported in the literature in individuals affected with FANCL-related conditions. An algorithm developed to predict the effect of missense changes on protein structure and function (PolyPhen-2) suggests that this variant is likely to be tolerated. In summary, the available evidence is currently insufficient to determine the role of this variant in disease. Therefore, it has been classified as a Variant of Uncertain Significance.